The following is an entry in ClinVar:

ClinVar aggregate classification (germline): Likely benign (1 of 4 stars; one submission).

gnomAD v4.1: 2 of 1,547,586 alleles (0.00013%); highest among the groups gnomAD compares: Non-Finnish European, 0.00017%; no homozygotes.

Submission:

CeGaT Center for Human Genetics Tuebingen
Classification: Likely benign. Last evaluated: 2023-01-01. Review status: criteria provided, single submitter. Criteria: CeGaT Center For Human Genetics Tuebingen Variant Classification Criteria Version 2. Collection method: clinical testing. Allele origin: germline. Affected: yes. Observed: 1 variant allele.
Comment: ENTREP2: BP4, BP7

NM_015307.2(ENTREP2):c.1101C>A (p.Ser367=)

Gene: ENTREP2 (endosomal transmembrane epsin interactor 2; minus strand). Cytogenetic location: 15q13.1.
Variant type: single nucleotide variant.
Coding change: c.1101C>A on transcript NM_015307.2 (MANE Select); coding-DNA position 1101, C replaced by A.
Protein change: p.Ser367=; no amino-acid change (serine 367 retained).
Molecular consequence: synonymous variant.
Genome position (GRCh38, 1-based): chr15:29,126,394, G>T on the plus strand (C>A on the coding strand, the complement: ENTREP2 is on the minus strand). VCF-style: chr15-29126394-G-T. GRCh37 (hg19) VCF-style: chr15-29418597-G-T.
Other names: c.966C>A, p.Ser322= (NM_001387214.1); c.813C>A, p.Ser271= (NM_001387215.1, NM_001387216.1); c.678C>A, p.Ser226= (NM_001387217.1).
Identifiers: ClinVar variation 2645095 (VCV002645095.24), dbSNP rs1273798522, ClinGen allele CA488981899.